The following is an entry in ClinVar:

NM_006015.6(ARID1A):c.5243G>A (p.Gly1748Glu)

Gene: ARID1A (AT-rich interaction domain 1A; plus strand). Cytogenetic location: 1p36.11.
Variant type: single nucleotide variant.
Coding change: c.5243G>A on transcript NM_006015.6 (MANE Select); coding-DNA position 5243, G replaced by A.
Protein change: p.Gly1748Glu; replaces glycine 1748 with glutamic acid.
Molecular consequence: missense variant.
Genome position (GRCh38, 1-based): chr1:26,779,141, G>A. VCF-style: chr1-26779141-G-A. GRCh37 (hg19) VCF-style: chr1-27105632-G-A.
Other names: c.4592G>A, p.Gly1531Glu (NM_139135.4); short protein forms G1531E, G1748E.
Identifiers: ClinVar variation 4538490 (VCV004538490.1).

ClinVar aggregate classification (germline): Uncertain significance (1 of 4 stars; one submission).

Conditions:
Intellectual disability, autosomal dominant 14 (CSS2). Also called: COFFIN-SIRIS SYNDROME 2. Identifiers: Orphanet 1465, MedGen C3553247, MONDO:0013819, OMIM 614607.

Submission:

Genetics Department, Catlab
Classification: Uncertain significance for Intellectual disability, autosomal dominant 14. Last evaluated: 2025-12-18. Review status: criteria provided, single submitter. Criteria: ACMG Guidelines, 2015. Collection method: clinical testing. Allele origin: germline. Affected: yes.
Comment: The c.5243G>A missense variant changes a glycine at position 1748 of the protein for a glutamic acid. The variant has a low frequency in gnomAD v4.1 (AF= 6.291e-7) (PM2_moderate) and has a REVEL score of 0.09 (BP4_moderate). With all the available evidence, the variant is classified as of uncertain significance.